The following is an entry in ClinVar:

NM_014989.7(RIMS1):c.1280C>T (p.Ala427Val)

Gene: RIMS1 (regulating synaptic membrane exocytosis 1; plus strand). Cytogenetic location: 6q13.
Variant type: single nucleotide variant.
Coding change: c.1280C>T on transcript NM_014989.7 (MANE Select); coding-DNA position 1280, C replaced by T.
Protein change: p.Ala427Val; replaces alanine 427 with valine.
Molecular consequence: missense variant.
Genome position (GRCh38, 1-based): chr6:72,182,751, C>T. VCF-style: chr6-72182751-C-T. GRCh37 (hg19) VCF-style: chr6-72892454-C-T.
Other names: c.1280C>T (NM_014989.4); short protein forms A427V.
Identifiers: ClinVar variation 1372878 (VCV001372878.9), dbSNP rs562760443, ClinGen allele CA3885668.

ClinVar aggregate classification (germline): Uncertain significance. Review status: criteria provided, multiple submitters, no conflicts (2 of 4 stars). 2 submissions from 2 submitters: Uncertain significance (2). Last evaluated 2025-08-15.

Allele frequency attached by ClinVar (database versions not stated): gnomAD exomes 0.00001 and 0.00002; gnomAD 0.00008; ExAC 0.00009; TOPMed 0.00012; 1000 Genomes Project 30x 0.00016; 1000 Genomes Project 0.00020.
gnomAD v4.1: 22 of 1,543,046 alleles (0.0014%); highest among the groups gnomAD compares: African/African-American, 0.026%; no homozygotes.

Submissions (2):

Labcorp Genetics (formerly Invitae), Labcorp
Classification: Uncertain significance. Last evaluated: 2025-08-15. Review status: criteria provided, single submitter. Criteria: Invitae Variant Classification Sherloc (09022015). Collection method: clinical testing. Allele origin: germline.
Comment: This sequence change replaces alanine, which is neutral and non-polar, with valine, which is neutral and non-polar, at codon 427 of the RIMS1 protein (p.Ala427Val). This variant is present in population databases (rs562760443, gnomAD 0.02%). This variant has not been reported in the literature in individuals affected with RIMS1-related conditions. ClinVar contains an entry for this variant (Variation ID: 1372878). An algorithm developed to predict the effect of missense changes on protein structure and function (PolyPhen-2) suggests that this variant is likely to be tolerated. In summary, the available evidence is currently insufficient to determine the role of this variant in disease. Therefore, it has been classified as a Variant of Uncertain Significance.

Ambry Genetics
Classification: Uncertain significance. Last evaluated: 2025-06-24. Review status: criteria provided, single submitter. Criteria: Ambry Variant Classification Scheme 2023. Collection method: clinical testing. Allele origin: germline.